The following is an entry in ClinVar:

ClinVar aggregate classification (germline): Likely benign. Review status: criteria provided, multiple submitters, no conflicts (2 of 4 stars). 2 submissions from 2 submitters: Likely benign (2). Last evaluated 2024-03-01.

Conditions:
Dilated cardiomyopathy 1G (CMD1G). Identifiers: Orphanet 154, MedGen C1858763, MONDO:0011400, OMIM 604145.
Autosomal recessive limb-girdle muscular dystrophy type 2J (LGMDR10). Also called: Limb-girdle muscular dystrophy, type 2J; MUSCULAR DYSTROPHY, LIMB-GIRDLE, AUTOSOMAL RECESSIVE 10. Identifiers: Orphanet 140922, MedGen C1837342, MONDO:0012127, OMIM 608807.

gnomAD v4.1: 2 of 1,598,414 alleles (0.00013%); highest among the groups gnomAD compares: Admixed American, 0.0035%; no homozygotes.

Submissions (2):

CeGaT Center for Human Genetics Tuebingen
Classification: Likely benign. Last evaluated: 2024-03-01. Review status: criteria provided, single submitter. Criteria: CeGaT Center For Human Genetics Tuebingen Variant Classification Criteria Version 2. Collection method: clinical testing. Allele origin: germline. Affected: yes. Observed: 1 variant allele.
Comment: TTN: BP4, BP7

Labcorp Genetics (formerly Invitae), Labcorp
Classification: Likely benign for Dilated cardiomyopathy 1G; Autosomal recessive limb-girdle muscular dystrophy type 2J. Last evaluated: 2022-08-24. Review status: criteria provided, single submitter. Criteria: Invitae Variant Classification Sherloc (09022015). Collection method: clinical testing. Allele origin: germline.

NM_001267550.2(TTN):c.78786G>A (p.Gly26262=)

Genes: TTN (titin; minus strand), TTN-AS1 (TTN antisense RNA 1; plus strand). Cytogenetic location: 2q31.2.
Variant type: single nucleotide variant.
Coding change: c.78786G>A on transcript NM_001267550.2 (MANE Select); coding-DNA position 78786, G replaced by A.
Protein change: p.Gly26262=; no amino-acid change (glycine 26262 retained).
Molecular consequence: synonymous variant.
Genome position (GRCh38, 1-based): chr2:178,567,346, C>T on the plus strand (G>A on the coding strand, the complement: TTN is on the minus strand). VCF-style: chr2-178567346-C-T. GRCh37 (hg19) VCF-style: chr2-179432073-C-T.
Other names: c.73863G>A, p.Gly24621= (NM_001256850.1); c.51591G>A, p.Gly17197= (NM_003319.4); c.71082G>A, p.Gly23694= (NM_133378.4); c.51966G>A, p.Gly17322= (NM_133432.3); c.52167G>A, p.Gly17389= (NM_133437.4).
Identifiers: ClinVar variation 2176585 (VCV002176585.25), dbSNP rs1175820959, ClinGen allele CA430252644.